The following is an entry in ClinVar:

NM_001375.3(DNASE2):c.685_686delinsCT (p.Ala229Leu)

Gene: DNASE2 (deoxyribonuclease 2, lysosomal; minus strand). Cytogenetic location: 19p13.13.
Variant type: Indel.
Coding change: c.685_686delinsCT on transcript NM_001375.3 (MANE Select); coding-DNA positions 685 to 686, GC replaced by CT.
Protein change: p.Ala229Leu; replaces alanine 229 with leucine.
Molecular consequence: missense variant.
Genome position (GRCh38, 1-based): chr19:12,878,405-12,878,406, GC replaced by AG on the plus strand (GC replaced by CT on the coding strand, the reverse complement: DNASE2 is on the minus strand). VCF-style: chr19-12878405-GC-AG. GRCh37 (hg19) VCF-style: chr19-12989219-GC-AG.
Other names: short protein forms A229L.
Identifiers: ClinVar variation 1511111 (VCV001511111.6), dbSNP rs2145921224, ClinGen allele CA2573155998.

ClinVar aggregate classification (germline): Uncertain significance (1 of 4 stars; one submission).

Submission:

Labcorp Genetics (formerly Invitae), Labcorp
Classification: Uncertain significance. Last evaluated: 2021-02-17. Review status: criteria provided, single submitter. Criteria: Invitae Variant Classification Sherloc (09022015). Collection method: clinical testing. Allele origin: germline.
Comment: This sequence change replaces alanine with leucine at codon 229 of the DNASE2 protein (p.Ala229Leu). The alanine residue is highly conserved and there is a moderate physicochemical difference between alanine and leucine. The frequency data for this variant in the population databases is not available, as this variant may be reported as separate entries in the ExAC database. This variant has not been reported in the literature in individuals with DNASE2-related conditions. Algorithms developed to predict the effect of missense changes on protein structure and function are either unavailable or do not agree on the potential impact of this missense change (SIFT: "Not Available"; PolyPhen-2: "Possibly Damaging"; Align-GVGD: "Not Available"). In summary, the available evidence is currently insufficient to determine the role of this variant in disease. Therefore, it has been classified as a Variant of Uncertain Significance.